The following is an entry in ClinVar:

ClinVar aggregate classification (germline): Uncertain significance (1 of 4 stars; one submission).

Conditions:
Ritscher-Schinzel syndrome. Also called: CRANIOCEREBELLOCARDIAC DYSPLASIA. Identifiers: Orphanet 7, MedGen C0796137, MONDO:0019078.
Hereditary spastic paraplegia 8 (SPG8). Also called: SPASTIC PARAPLEGIA 8, AUTOSOMAL DOMINANT. Identifiers: Orphanet 100989, MedGen C1863704, MONDO:0011339, OMIM 603563.

gnomAD v4.1: 25 of 1,613,790 alleles (0.0015%); highest among the groups gnomAD compares: Non-Finnish European, 0.0019%; no homozygotes.

Submission:

Labcorp Genetics (formerly Invitae), Labcorp
Classification: Uncertain significance for Ritscher-Schinzel syndrome; Hereditary spastic paraplegia 8. Last evaluated: 2025-04-08. Review status: criteria provided, single submitter. Criteria: Invitae Variant Classification Sherloc (09022015). Collection method: clinical testing. Allele origin: germline.
Comment: This sequence change replaces serine, which is neutral and polar, with alanine, which is neutral and non-polar, at codon 178 of the WASHC5 protein (p.Ser178Ala). This variant is present in population databases (no rsID available, gnomAD 0.0009%). This variant has not been reported in the literature in individuals affected with WASHC5-related conditions. Invitae Evidence Modeling of protein sequence and biophysical properties (such as structural, functional, and spatial information, amino acid conservation, physicochemical variation, residue mobility, and thermodynamic stability) indicates that this missense variant is not expected to disrupt WASHC5 protein function with a negative predictive value of 80%. In summary, the available evidence is currently insufficient to determine the role of this variant in disease. Therefore, it has been classified as a Variant of Uncertain Significance.

NM_014846.4(WASHC5):c.532T>G (p.Ser178Ala)

Gene: WASHC5 (WASH complex subunit 5; minus strand). Cytogenetic location: 8q24.13.
Variant type: single nucleotide variant.
Coding change: c.532T>G on transcript NM_014846.4 (MANE Select); coding-DNA position 532, T replaced by G.
Protein change: p.Ser178Ala; replaces serine 178 with alanine.
Molecular consequence: missense variant.
Genome position (GRCh38, 1-based): chr8:125,078,917, A>C on the plus strand (T>G on the coding strand, the complement: WASHC5 is on the minus strand). VCF-style: chr8-125078917-A-C. GRCh37 (hg19) VCF-style: chr8-126091159-A-C.
Other names: c.88T>G, p.Ser30Ala (NM_001330609.2); short protein forms S30A, S178A.
Identifiers: ClinVar variation 4789206 (VCV004789206.1).
Genomic context (GRCh38, chr8:125,078,917, plus strand): 5'-GGCTAGAATAACCTGTACTTCGAAGCAGCTTACAAATATCGTCCATATTTGAATCAGCAG[A>C]AGATCGAGCAGCACTGAGTCATATTCACAATGGGAAACAAAGACCCAAAACACACATATT-3'
Protein context (NP_055661.3, residues 168-188): SYYRYSAARS[Ser178Ala]ADSNMDDICK